The following is an entry in ClinVar:

ClinVar aggregate classification (germline): Conflicting classifications of pathogenicity. Review status: criteria provided, conflicting classifications (1 of 4 stars). 8 submissions from 8 submitters: Uncertain significance (2); Benign (1); Likely benign (5). Last evaluated 2025-11-25.

Conditions:
Hereditary cancer-predisposing syndrome. Also called: Tumor predisposition; Hereditary Cancer Syndrome; Hereditary neoplastic syndrome; Neoplastic Syndromes, Hereditary. Identifiers: Orphanet 140162, MedGen C0027672, MeSH D009386, MONDO:0015356.
Tuberous sclerosis syndrome (TSC). Also called: Tuberous Sclerosis Complex; Tuberous sclerosis. Identifiers: Orphanet 805, MedGen C0041341, MONDO:0001734.
Tuberous sclerosis 2 (TSC2). Identifiers: Orphanet 805, MedGen C1860707, MONDO:0013199, OMIM 613254.

Allele frequency attached by ClinVar (database versions not stated): gnomAD 0.00001; TOPMed 0.00010; ExAC 0.00011.
gnomAD v4.1: 49 of 1,602,068 alleles (0.0031%); highest among the groups gnomAD compares: South Asian, 0.023%; 1 homozygote.

Submissions (8):

Labcorp Genetics (formerly Invitae), Labcorp
Classification: Likely benign for Tuberous sclerosis 2. Last evaluated: 2025-11-25. Review status: criteria provided, single submitter. Criteria: Invitae Variant Classification Sherloc (09022015). Collection method: clinical testing. Allele origin: germline.

Myriad Genetics, Inc.
Classification: Likely benign for Tuberous sclerosis 2. Last evaluated: 2025-06-06. Review status: criteria provided, single submitter. Criteria: Myriad Autosomal Dominant, Autosomal Recessive and X-Linked Classification Criteria (2023). Collection method: clinical testing. Allele origin: unknown.
Comment: This variant is considered likely benign. This variant has been observed at a population frequency that is significantly greater than expected given the associated disease prevalence and penetrance.

All of Us Research Program, National Institutes of Health
Classification: Uncertain significance for Tuberous sclerosis syndrome. Last evaluated: 2023-12-01. Review status: criteria provided, single submitter. Criteria: ACMG Guidelines, 2015. Collection method: clinical testing. Allele origin: germline. Inheritance: Autosomal dominant inheritance. Observed: 4 variant alleles, 4 heterozygotes.
Comment: This missense variant replaces proline with serine at codon 1737 of the TSC2 protein. Computational prediction is inconclusive regarding the impact of this variant on protein structure and function (internally defined REVEL score threshold 0.5 < inconclusive < 0.7, PMID: 27666373). To our knowledge, functional studies have not been reported for this variant. This variant has not been reported in individuals affected with tuberous sclerosis complex (TSC) in the literature. This variant has been identified in 23/250534 chromosomes in the general population by the Genome Aggregation Database (gnomAD). The available evidence is insufficient to determine the role of this variant in disease conclusively. Therefore, this variant is classified as a Variant of Uncertain Significance.

This study involves interpretation of variants in research participants for the purpose of population health screening. Participant phenotype was not available at the time of variant classification. Additional details can be found in publication PMID: 35346344, PMCID: PMC8962531

Color Diagnostics, LLC DBA Color Health
Classification: Uncertain significance for Tuberous sclerosis syndrome. Last evaluated: 2023-10-26. Review status: criteria provided, single submitter. Criteria: ACMG Guidelines, 2015. Collection method: clinical testing. Allele origin: germline.
Comment: This missense variant replaces proline with serine at codon 1737 of the TSC2 protein. Computational prediction is inconclusive regarding the impact of this variant on protein structure and function. To our knowledge, functional studies have not been reported for this variant. This variant has not been reported in individuals affected with tuberous sclerosis complex (TSC) in the literature. This variant has been identified in 23/250534 chromosomes in the general population by the Genome Aggregation Database (gnomAD). The available evidence is insufficient to determine the role of this variant in disease conclusively. Therefore, this variant is classified as a Variant of Uncertain Significance.

Ambry Genetics
Classification: Likely benign for Hereditary cancer-predisposing syndrome. Last evaluated: 2022-04-25. Review status: criteria provided, single submitter. Criteria: Ambry Variant Classification Scheme 2023. Collection method: clinical testing. Allele origin: germline.

Genome-Nilou Lab
Classification: Benign for Tuberous sclerosis 2. Last evaluated: 2021-11-07. Review status: criteria provided, single submitter. Criteria: ACMG Guidelines, 2015. Collection method: clinical testing. Allele origin: germline. Affected: no.

Sema4
Classification: Likely benign for Hereditary cancer-predisposing syndrome. Last evaluated: 2021-11-06. Review status: criteria provided, single submitter. Criteria: Sema4 Curation Guidelines. Collection method: curation. Allele origin: germline.

GeneDx
Classification: Likely benign. Last evaluated: 2019-11-22. Review status: criteria provided, single submitter. Criteria: GeneDx Variant Classification Process June 2021. Collection method: clinical testing. Allele origin: germline. Affected: yes.

NM_000548.5(TSC2):c.5209C>T (p.Pro1737Ser)

Gene: TSC2 (TSC complex subunit 2; plus strand). Cytogenetic location: 16p13.3.
Variant type: single nucleotide variant.
Coding change: c.5209C>T on transcript NM_000548.5 (MANE Select); coding-DNA position 5209, C replaced by T.
Protein change: p.Pro1737Ser; replaces proline 1737 with serine.
Molecular consequence: missense variant.
Genome position (GRCh38, 1-based): chr16:2,088,275, C>T. VCF-style: chr16-2088275-C-T. GRCh37 (hg19) VCF-style: chr16-2138276-C-T.
Other names: c.5008C>T, p.Pro1670Ser (NM_001077183.3); c.5140C>T, p.Pro1714Ser (NM_001114382.3); c.4900C>T, p.Pro1634Ser (NM_001318827.2); c.4864C>T, p.Pro1622Ser (NM_001318829.2); c.4477C>T, p.Pro1493Ser (NM_001318831.2); c.5041C>T, p.Pro1681Ser (NM_001318832.2); c.5011C>T, p.Pro1671Ser (NM_001363528.2); c.5077C>T, p.Pro1693Ser (NM_001370404.1); and 2 more; short protein forms P1737S, P1622S, P1671S, P1681S, P1693S, P1714S, P1493S, P1634S.
Identifiers: ClinVar variation 238078 (VCV000238078.23), dbSNP rs780112037, ClinGen allele CA054437.